The following is an entry in ClinVar:

NM_001378418.1(TCF20):c.1520C>A (p.Pro507His)

Gene: TCF20 (transcription factor 20; minus strand). Cytogenetic location: 22q13.2.
Variant type: single nucleotide variant.
Coding change: c.1520C>A on transcript NM_001378418.1 (MANE Select); coding-DNA position 1520, C replaced by A.
Protein change: p.Pro507His; replaces proline 507 with histidine.
Molecular consequence: missense variant.
Genome position (GRCh38, 1-based): chr22:42,213,786, G>T on the plus strand (C>A on the coding strand, the complement: TCF20 is on the minus strand). VCF-style: chr22-42213786-G-T. GRCh37 (hg19) VCF-style: chr22-42609792-G-T.
Other names: c.1520C>A, p.Pro507His (NM_005650.4, NM_181492.3); short protein forms P507H.
Identifiers: ClinVar variation 2504357 (VCV002504357.3), dbSNP rs2518235492, ClinGen allele CA411790643.

ClinVar aggregate classification (germline): Uncertain significance (1 of 4 stars; one submission).

Submission:

GeneDx
Classification: Uncertain significance. Last evaluated: 2023-09-26. Review status: criteria provided, single submitter. Criteria: GeneDx Variant Classification Process June 2021. Collection method: clinical testing. Allele origin: germline. Affected: yes.
Comment: Not observed at significant frequency in large population cohorts (gnomAD); In silico analysis supports that this missense variant does not alter protein structure/function; Has not been previously published as pathogenic or benign to our knowledge